The following is an entry in ClinVar:

NM_018263.6(ASXL2):c.1672C>G (p.Leu558Val)

Gene: ASXL2 (ASXL transcriptional regulator 2; minus strand). Cytogenetic location: 2p23.3.
Variant type: single nucleotide variant.
Coding change: c.1672C>G on transcript NM_018263.6 (MANE Select); coding-DNA position 1672, C replaced by G.
Protein change: p.Leu558Val; replaces leucine 558 with valine.
Molecular consequence: missense variant.
Genome position (GRCh38, 1-based): chr2:25,749,884, G>C on the plus strand (C>G on the coding strand, the complement: ASXL2 is on the minus strand). VCF-style: chr2-25749884-G-C. GRCh37 (hg19) VCF-style: chr2-25972753-G-C.
Other names: c.1672C>G (NM_018263.4); c.1498C>G, p.Leu500Val (NM_001369346.1); c.892C>G, p.Leu298Val (NM_001369347.1); short protein forms L298V, L500V, L558V.
Identifiers: ClinVar variation 1364426 (VCV001364426.10), dbSNP rs369128452, ClinGen allele CA43704264.

ClinVar aggregate classification (germline): Uncertain significance. Review status: criteria provided, multiple submitters, no conflicts (2 of 4 stars). 2 submissions from 2 submitters: Uncertain significance (2). Last evaluated 2026-07-14.

Conditions:
ASXL2-related disorder. Also called: ASXL2-related condition.

Allele frequency attached by ClinVar (database versions not stated): gnomAD exomes 0.00001; gnomAD 0.00003; TOPMed 0.00003; ESP Exome Variant Server 0.00008.
gnomAD v4.1: 13 of 1,611,326 alleles (0.00081%); highest among the groups gnomAD compares: Middle Eastern, 0.016%; no homozygotes.

Submissions (2):

PreventionGenetics, part of Exact Sciences
Classification: Uncertain significance for ASXL2-related condition. Last evaluated: 2026-07-14. Review status: criteria provided, single submitter. Criteria: ACMG Guidelines, 2015. Collection method: clinical testing. Allele origin: germline.
Comment: The ASXL2 c.1672C>G variant is predicted to result in the amino acid substitution p.Leu558Val. To our knowledge, this variant has not been reported in the literature. This variant is reported in 0.0041% of alleles in individuals of African descent in gnomAD. At this time, the clinical significance of this variant is uncertain due to the absence of conclusive functional and genetic evidence.

Labcorp Genetics (formerly Invitae), Labcorp
Classification: Uncertain significance. Last evaluated: 2025-12-08. Review status: criteria provided, single submitter. Criteria: Invitae Variant Classification Sherloc (09022015). Collection method: clinical testing. Allele origin: germline.
Comment: This sequence change replaces leucine, which is neutral and non-polar, with valine, which is neutral and non-polar, at codon 558 of the ASXL2 protein (p.Leu558Val). This variant is present in population databases (rs369128452, gnomAD 0.004%). This variant has not been reported in the literature in individuals affected with ASXL2-related conditions. ClinVar contains an entry for this variant (Variation ID: 1364426). Invitae Evidence Modeling of protein sequence and biophysical properties (such as structural, functional, and spatial information, amino acid conservation, physicochemical variation, residue mobility, and thermodynamic stability) indicates that this missense variant is not expected to disrupt ASXL2 protein function with a negative predictive value of 80%. In summary, the available evidence is currently insufficient to determine the role of this variant in disease. Therefore, it has been classified as a Variant of Uncertain Significance.